The following is an entry in ClinVar:

ClinVar aggregate classification (germline): Uncertain significance. Review status: criteria provided, multiple submitters, no conflicts (2 of 4 stars). 2 submissions from 2 submitters: Uncertain significance (2). Last evaluated 2023-05-11.

Conditions:
Haddad syndrome (OHD). Also called: Ondine-Hirschsprung disease. Identifiers: Orphanet 99803, MedGen C1859049, MONDO:0020493.
Hereditary cancer-predisposing syndrome. Also called: Tumor predisposition; Hereditary neoplastic syndrome; Neoplastic Syndromes, Hereditary; Hereditary Cancer Syndrome. Identifiers: Orphanet 140162, MedGen C0027672, MeSH D009386, MONDO:0015356.

Submissions (2):

Ambry Genetics
Classification: Uncertain significance for Hereditary cancer-predisposing syndrome. Last evaluated: 2023-05-11. Review status: criteria provided, single submitter. Criteria: Ambry Variant Classification Scheme 2023. Collection method: clinical testing. Allele origin: germline.
Comment: The p.T127N variant (also known as c.380C>A), located in coding exon 2 of the PHOX2B gene, results from a C to A substitution at nucleotide position 380. The threonine at codon 127 is replaced by asparagine, an amino acid with similar properties. This amino acid position is conserved. In addition, the in silico prediction for this alteration is inconclusive. Since supporting evidence is limited at this time, the clinical significance of this alteration remains unclear.

Labcorp Genetics (formerly Invitae), Labcorp
Classification: Uncertain significance for Haddad syndrome. Last evaluated: 2023-04-22. Review status: criteria provided, single submitter. Criteria: Invitae Variant Classification Sherloc (09022015). Collection method: clinical testing. Allele origin: germline.
Comment: In summary, the available evidence is currently insufficient to determine the role of this variant in disease. Therefore, it has been classified as a Variant of Uncertain Significance. Advanced modeling of protein sequence and biophysical properties (such as structural, functional, and spatial information, amino acid conservation, physicochemical variation, residue mobility, and thermodynamic stability) performed at Invitae indicates that this missense variant is expected to disrupt PHOX2B protein function. ClinVar contains an entry for this variant (Variation ID: 1427912). This variant has not been reported in the literature in individuals affected with PHOX2B-related conditions. This variant is not present in population databases (gnomAD no frequency). This sequence change replaces threonine, which is neutral and polar, with asparagine, which is neutral and polar, at codon 127 of the PHOX2B protein (p.Thr127Asn).

NM_003924.4(PHOX2B):c.380C>A (p.Thr127Asn)

Gene: PHOX2B (paired like homeobox 2B; minus strand). Cytogenetic location: 4p13.
Variant type: single nucleotide variant.
Coding change: c.380C>A on transcript NM_003924.4 (MANE Select); coding-DNA position 380, C replaced by A.
Protein change: p.Thr127Asn; replaces threonine 127 with asparagine.
Molecular consequence: missense variant.
Genome position (GRCh38, 1-based): chr4:41,747,398, G>T on the plus strand (C>A on the coding strand, the complement: PHOX2B is on the minus strand). VCF-style: chr4-41747398-G-T. GRCh37 (hg19) VCF-style: chr4-41749415-G-T.
Other names: c.380C>A (NM_003924.3); short protein forms T127N.
Identifiers: ClinVar variation 1427912 (VCV001427912.7), dbSNP rs2153112934, ClinGen allele CA356739958.